The following is an entry in ClinVar:

ClinVar aggregate classification (germline): Uncertain significance (1 of 4 stars; one submission).

Submission:

GeneDx
Classification: Uncertain significance. Last evaluated: 2023-04-25. Review status: criteria provided, single submitter. Criteria: GeneDx Variant Classification Process June 2021. Collection method: clinical testing. Allele origin: germline. Affected: yes.
Comment: In-frame insertion of 2 amino acids in a non-repeat region; Not observed at significant frequency in large population cohorts (gnomAD); Has not been previously published as pathogenic or benign to our knowledge

NM_006766.5(KAT6A):c.1550_1555dup (p.Glu518_Ile519insAsnGlu)

Gene: KAT6A (lysine acetyltransferase 6A; minus strand). Cytogenetic location: 8p11.21.
Variant type: Duplication.
Coding change: c.1550_1555dup on transcript NM_006766.5 (MANE Select); coding-DNA positions 1550 to 1555, 6 bases duplicated (ATGAAA; older notation c.1550_1555dupATGAAA).
Protein change: p.Glu518_Ile519insAsnGlu.
Molecular consequence: inframe insertion.
Genome position (GRCh38, 1-based): chr8:41,955,339-41,955,344, TTTCAT duplicated on the plus strand (ATGAAA on the coding strand, the reverse complement: KAT6A is on the minus strand). VCF-style (leftmost placement, unchanged base first): chr8-41955338-A-ATTTCAT. GRCh37 (hg19) VCF-style: chr8-41812856-A-ATTTCAT.
Other names: c.1550_1555dup, p.Glu518_Ile519insAsnGlu (NM_001305878.2).
Identifiers: ClinVar variation 2661994 (VCV002661994.1), dbSNP rs2486743941, ClinGen allele CA2695199676.